The following is an entry in ClinVar:

ClinVar aggregate classification (germline): Uncertain significance. Review status: criteria provided, multiple submitters, no conflicts (2 of 4 stars). 5 submissions from 5 submitters: Uncertain significance (4). 1 of the submissions does not count toward it. Last evaluated 2025-08-01.

Conditions:
RTEL1-related disorder. Also called: RTEL1-related disorders; RTEL1-related condition.
Dyskeratosis congenita. Identifiers: Orphanet 1775, MedGen C0265965, MONDO:0015780.
Dyskeratosis congenita, autosomal recessive 5 (DKCB5). Identifiers: MedGen C3554656, MONDO:0014076, OMIM 615190.
Pulmonary fibrosis and/or bone marrow failure, Telomere-related, 3. Also called: PULMONARY FIBROSIS AND/OR BONE MARROW FAILURE SYNDROME, TELOMERE-RELATED, 3. Identifiers: Orphanet 2032, MedGen C4225346, MONDO:0014613, OMIM 616373.

Allele frequency attached by ClinVar (database versions not stated): gnomAD exomes below 0.00001.
gnomAD v4.1: 6 of 1,614,180 alleles (0.00037%); highest among the groups gnomAD compares: Non-Finnish European, 0.00042%; no homozygotes.

Submissions (5):

Mayo Clinic Laboratories, Mayo Clinic
Classification: Uncertain significance. Last evaluated: 2025-08-01. Review status: criteria provided, single submitter. Criteria: ACMG Guidelines, 2015. Collection method: clinical testing. Allele origin: germline. Observed: 1 variant allele.
Comment: PM2_supporting

CeGaT Center for Human Genetics Tuebingen
Classification: Uncertain significance. Last evaluated: 2024-05-01. Review status: criteria provided, single submitter. Criteria: CeGaT Center For Human Genetics Tuebingen Variant Classification Criteria Version 2. Collection method: clinical testing. Allele origin: germline. Affected: yes. Observed: 1 variant allele.
Comment: RTEL1: PM2

PreventionGenetics, part of Exact Sciences
Classification: Uncertain significance for RTEL1-related condition. Last evaluated: 2023-05-05. Review status: criteria provided, single submitter. Criteria: ACMG Guidelines, 2015. Collection method: clinical testing. Allele origin: germline.
Comment: The RTEL1 c.45C>A variant is predicted to result in the amino acid substitution p.Phe15Leu. To our knowledge, this variant has not been reported in the literature. This variant is reported in 0.00088% of alleles in individuals of European (Non-Finnish) descent in gnomAD. At this time, the clinical significance of this variant is uncertain due to the absence of conclusive functional and genetic evidence.

Labcorp Genetics (formerly Invitae), Labcorp
Classification: Uncertain significance for Dyskeratosis congenita, autosomal recessive 5; Pulmonary fibrosis and/or bone marrow failure, Telomere-related, 3. Last evaluated: 2021-08-24. Review status: criteria provided, single submitter. Criteria: Invitae Variant Classification Sherloc (09022015). Collection method: clinical testing. Allele origin: germline.
Comment: This sequence change replaces phenylalanine with leucine at codon 15 of the RTEL1 protein (p.Phe15Leu). The phenylalanine residue is highly conserved and there is a small physicochemical difference between phenylalanine and leucine. This variant is not present in population databases (ExAC no frequency). This variant has not been reported in the literature in individuals affected with RTEL1-related conditions. Algorithms developed to predict the effect of missense changes on protein structure and function are either unavailable or do not agree on the potential impact of this missense change (SIFT: "Deleterious"; PolyPhen-2: "Probably Damaging"; Align-GVGD: "Class C0"). In summary, the available evidence is currently insufficient to determine the role of this variant in disease. Therefore, it has been classified as a Variant of Uncertain Significance.

Natera, Inc.
Classification: Uncertain significance for Dyskeratosis congenita. Last evaluated: 2020-08-07. Review status: no assertion criteria provided. Collection method: clinical testing. Allele origin: germline. Not counted in ClinVar's aggregate classification.

Literature cited by the submitters: PubMed 39240887 (cited by Mayo Clinic Laboratories, Mayo Clinic).

NM_001283009.2(RTEL1):c.45C>A (p.Phe15Leu)

Genes: RTEL1 (regulator of telomere elongation helicase 1; plus strand), RTEL1-TNFRSF6B (RTEL1-TNFRSF6B readthrough (NMD candidate); plus strand). Cytogenetic location: 20q13.33.
Variant type: single nucleotide variant.
Coding change: c.45C>A on transcript NM_001283009.2 (MANE Select); coding-DNA position 45, C replaced by A.
Protein change: p.Phe15Leu; replaces phenylalanine 15 with leucine.
Molecular consequence: missense variant. On other transcripts: non-coding transcript variant (1), intron variant (1).
Genome position (GRCh38, 1-based): chr20:63,659,447, C>A. VCF-style: chr20-63659447-C-A. GRCh37 (hg19) VCF-style: chr20-62290800-C-A.
Other names: p.Phe15Leu; c.45C>A (NM_032957.4); c.45C>A, p.Phe15Leu (NM_016434.4, NM_032957.5); c.-568+988C>A (NM_001283010.1); short protein forms F15L.
Identifiers: ClinVar variation 1014888 (VCV001014888.23), dbSNP rs1296968885, ClinGen allele CA409657479.